The following is an entry in ClinVar:

NM_017654.4(SAMD9):c.4408C>T (p.His1470Tyr)

Gene: SAMD9 (sterile alpha motif domain containing 9; minus strand). Cytogenetic location: 7q21.2.
Variant type: single nucleotide variant.
Coding change: c.4408C>T on transcript NM_017654.4 (MANE Select); coding-DNA position 4408, C replaced by T.
Protein change: p.His1470Tyr; replaces histidine 1470 with tyrosine.
Molecular consequence: missense variant.
Genome position (GRCh38, 1-based): chr7:93,101,690, G>A on the plus strand (C>T on the coding strand, the complement: SAMD9 is on the minus strand). VCF-style: chr7-93101690-G-A. GRCh37 (hg19) VCF-style: chr7-92731003-G-A.
Other names: c.4408C>T, p.His1470Tyr (NM_001193307.2); short protein forms H1470Y.
Identifiers: ClinVar variation 1478677 (VCV001478677.8), dbSNP rs2116412345, ClinGen allele CA368178982.

ClinVar aggregate classification (germline): Likely pathogenic. Review status: criteria provided, multiple submitters, no conflicts (2 of 4 stars). 3 submissions from 3 submitters: Likely pathogenic (2). 1 of the submissions does not count toward it. Last evaluated 2024-01-01.

Conditions:
SAMD9-related disorder. Also called: SAMD9-related condition.

Submissions (3):

Daryl Scott Lab, Baylor College of Medicine
Classification: Likely pathogenic for SAMD9-related disorder. Last evaluated: 2024-01-01. Review status: criteria provided, single submitter. Criteria: ACMG Guidelines, 2015. Collection method: clinical testing. Allele origin: de novo. Affected: yes. Observed: 1 heterozygote.
Comment: PS2, PM2

Labcorp Genetics (formerly Invitae), Labcorp
Classification: Likely pathogenic. Last evaluated: 2021-03-31. Review status: criteria provided, single submitter. Criteria: Invitae Variant Classification Sherloc (09022015). Collection method: clinical testing. Allele origin: germline.
Comment: In summary, the currently available evidence indicates that the variant is pathogenic, but additional data are needed to prove that conclusively. Therefore, this variant has been classified as Likely Pathogenic. Algorithms developed to predict the effect of missense changes on protein structure and function (SIFT, PolyPhen-2, Align-GVGD) all suggest that this variant is likely to be tolerated, but these predictions have not been confirmed by published functional studies and their clinical significance is uncertain. This variant has been observed in individual(s) with clinical features of MIRAGE syndrome (Invitae). In at least one individual the variant was observed to be de novo. This variant is not present in population databases (ExAC no frequency). This sequence change replaces histidine with tyrosine at codon 1470 of the SAMD9 protein (p.His1470Tyr). The histidine residue is moderately conserved and there is a moderate physicochemical difference between histidine and tyrosine.

Revvity Omics, Revvity
Classification: Uncertain significance. Last evaluated: 2023-09-14. Review status: flagged submission. Criteria: ACMG Guidelines, 2015. Collection method: clinical testing. Allele origin: germline. Not counted in ClinVar's aggregate classification.
ClinVar note: Reason: Claim with insufficient supporting evidence